The following is an entry in ClinVar:

ClinVar aggregate classification (germline): Uncertain significance (1 of 4 stars; one submission).

Allele frequency attached by ClinVar (database versions not stated): gnomAD 0.00001.
gnomAD v4.1: 1 of 1,608,628 alleles (0.000062%); highest among the groups gnomAD compares: African/African-American, 0.0013%; no homozygotes.

Submission:

GeneDx
Classification: Uncertain significance. Last evaluated: 2023-12-09. Review status: criteria provided, single submitter. Criteria: GeneDx Variant Classification Process June 2021. Collection method: clinical testing. Allele origin: germline. Affected: yes.
Comment: Not observed at significant frequency in large population cohorts (gnomAD); In silico analysis supports that this missense variant does not alter protein structure/function; Has not been previously published as pathogenic or benign to our knowledge

NM_003024.3(ITSN1):c.622A>G (p.Ser208Gly)

Gene: ITSN1 (intersectin 1; plus strand). Cytogenetic location: 21q22.11.
Variant type: single nucleotide variant.
Coding change: c.622A>G on transcript NM_003024.3 (MANE Select); coding-DNA position 622, A replaced by G.
Protein change: p.Ser208Gly; replaces serine 208 with glycine.
Molecular consequence: missense variant.
Genome position (GRCh38, 1-based): chr21:33,751,905, A>G. VCF-style: chr21-33751905-A-G. GRCh37 (hg19) VCF-style: chr21-35124210-A-G.
Other names: c.622A>G, p.Ser208Gly (NM_001001132.2, NM_001331008.2, NM_001331009.2 and 2 more transcripts); c.511A>G, p.Ser171Gly (NM_001331012.2); short protein forms S171G, S208G.
Identifiers: ClinVar variation 3252367 (VCV003252367.1), dbSNP rs2067581834.
Genomic context (GRCh38, chr21:33,751,905, plus strand): 5'-TCTGGTCCAGGGTCACAACTAAACACTAAATTACAAAAGGCACAGTCATTTGATGTGGCC[A>G]GGTAAGTTTGCTTGTTTTTAAATGGGAAGTTTGGTTAAGGCCATTACCTGATTAAATCAT-3'
Protein context (NP_003015.2, residues 198-218): LQKAQSFDVA[Ser208Gly]VPPVAEWAVP